The following is an entry in ClinVar:

NR_001564.3(XIST):n.3187G>C

Gene: XIST (X inactive specific transcript; minus strand). Cytogenetic location: Xq13.2.
Variant type: single nucleotide variant.
Molecular consequence: non-coding transcript variant (on NR_001564.3).
Genome position: GRCh38 VCF-style: chrX-73849528-C-G. GRCh37 (hg19) VCF-style: chrX-73069363-C-G.
Identifiers: ClinVar variation 4980296 (VCV004980296.1).

ClinVar aggregate classification (germline): Likely benign (1 of 4 stars; one submission).

Conditions:
XIST-related disorder. Also called: XIST-related condition.

gnomAD v4.1: 163 of 556,301 alleles (0.029%); highest among the groups gnomAD compares: African/African-American, 0.28%; 1 homozygote.

Submission:

PreventionGenetics, part of Exact Sciences
Classification: Likely benign for XIST-related condition. Last evaluated: 2026-02-04. Review status: criteria provided, single submitter. Criteria: ACMG Guidelines, 2015. Collection method: clinical testing. Allele origin: germline.
Comment: This variant is classified as likely benign based on ACMG/AMP sequence variant interpretation guidelines (Richards et al. 2015 PMID: 25741868, with internal and published modifications).